The following is an entry in ClinVar:

NM_138927.4(SON):c.5653T>A (p.Ser1885Thr)

Gene: SON (SON DNA and RNA binding protein; plus strand). Cytogenetic location: 21q22.11.
Variant type: single nucleotide variant.
Coding change: c.5653T>A on transcript NM_138927.4 (MANE Select); coding-DNA position 5653, T replaced by A.
Protein change: p.Ser1885Thr; replaces serine 1885 with threonine.
Molecular consequence: missense variant. On other transcripts: non-coding transcript variant (1), intron variant (1).
Genome position (GRCh38, 1-based): chr21:33,554,884, T>A. VCF-style: chr21-33554884-T-A. GRCh37 (hg19) VCF-style: chr21-34927190-T-A.
Other names: c.5653T>A, p.Ser1885Thr (NM_001291411.2, NM_001412133.1, NM_032195.3 and 2 more transcripts); c.245-2272T>A (NM_001291412.3); short protein forms S1885T.
Identifiers: ClinVar variation 2971017 (VCV002971017.3), dbSNP rs1270266495, ClinGen allele CA410165255.

ClinVar aggregate classification (germline): Uncertain significance (1 of 4 stars; one submission).

Allele frequency attached by ClinVar (database versions not stated): gnomAD exomes 0.00001.
gnomAD v4.1: 8 of 1,613,872 alleles (0.0005%); highest among the groups gnomAD compares: Admixed American, 0.005%; no homozygotes.

Submission:

Labcorp Genetics (formerly Invitae), Labcorp
Classification: Uncertain significance. Last evaluated: 2026-01-09. Review status: criteria provided, single submitter. Criteria: Invitae Variant Classification Sherloc (09022015). Collection method: clinical testing. Allele origin: germline.
Comment: This sequence change replaces serine, which is neutral and polar, with threonine, which is neutral and polar, at codon 1885 of the SON protein (p.Ser1885Thr). This variant is present in population databases (no rsID available, gnomAD 0.003%). This variant has not been reported in the literature in individuals affected with SON-related conditions. ClinVar contains an entry for this variant (Variation ID: 2971017). Experimental studies and prediction algorithms are not available or were not evaluated, and the functional significance of this variant is currently unknown. In summary, the available evidence is currently insufficient to determine the role of this variant in disease. Therefore, it has been classified as a Variant of Uncertain Significance.